The following is an entry in ClinVar:

NM_018918.3(PCDHGA5):c.704C>T (p.Ala235Val)

Genes: PCDHG@ (protocadherin gamma cluster; plus strand), PCDHGA1 (protocadherin gamma subfamily A, 1; plus strand), PCDHGA2 (protocadherin gamma subfamily A, 2; plus strand), PCDHGA3 (protocadherin gamma subfamily A, 3; plus strand), PCDHGA4 (protocadherin gamma subfamily A, 4; plus strand) and 3 more. Cytogenetic location: 5q31.3.
Variant type: single nucleotide variant.
Coding change: c.704C>T on transcript NM_018918.3 (MANE Select); coding-DNA position 704, C replaced by T.
Protein change: p.Ala235Val; replaces alanine 235 with valine.
Molecular consequence: missense variant. On other transcripts: intron variant (6).
Genome position (GRCh38, 1-based): chr5:141,365,034, C>T. VCF-style: chr5-141365034-C-T. GRCh37 (hg19) VCF-style: chr5-140744601-C-T.
Other names: c.704C>T, p.Ala235Val (NM_032054.2); c.2421+31929C>T (NM_018912.3); c.2424+23639C>T (NM_018915.4); c.2424+18577C>T (NM_018916.4); c.2409+12365C>T (NM_018922.3); c.2514+7413C>T (NM_018917.4); c.2421+2478C>T (NM_018923.3); short protein forms A235V.
Identifiers: ClinVar variation 4565726 (VCV004565726.1).

ClinVar aggregate classification (germline): Uncertain significance (1 of 4 stars; one submission).

gnomAD v4.1: 14 of 1,613,758 alleles (0.00087%); highest among the groups gnomAD compares: African/African-American, 0.017%; no homozygotes.

Submission:

Ambry Genetics
Classification: Uncertain significance. Last evaluated: 2025-10-02. Review status: criteria provided, single submitter. Criteria: Ambry Variant Classification Scheme 2023. Collection method: clinical testing. Allele origin: germline.
Comment: The c.704C>T (p.A235V) alteration is located in exon 1 (coding exon 1) of the PCDHGA5 gene. This alteration results from a C to T substitution at nucleotide position 704, causing the alanine (A) at amino acid position 235 to be replaced by a valine (V). Based on data from gnomAD, the T allele has an overall frequency of 0.001% (4/280480) total alleles studied. The highest observed frequency was 0.017% (4/24190) of African alleles. Based on insufficient or conflicting evidence, the clinical significance of this alteration remains unclear.